The following is an entry in ClinVar:

ClinVar aggregate classification (germline): Uncertain significance. Review status: criteria provided, multiple submitters, no conflicts (2 of 4 stars). 2 submissions from 2 submitters: Uncertain significance (2). Last evaluated 2026-08-24.

Conditions:
Inborn genetic diseases. Identifiers: MedGen C0950123, MeSH D030342.

gnomAD v4.1: 1 of 1,602,202 alleles (0.000062%); highest among the groups gnomAD compares: Non-Finnish European, 0.000085%; no homozygotes.

Submissions (2):

Ambry Genetics
Classification: Uncertain significance for Inborn genetic diseases. Last evaluated: 2026-08-24. Review status: criteria provided, single submitter. Criteria: Ambry Variant Classification Scheme 2023. Collection method: clinical testing. Allele origin: germline.
Comment: The c.1253+2T>C intronic variant results from a T to C substitution two nucleotides after coding exon 7 in the ETV6 gene. This variant occurs at the 3' terminus of the gene, is not expected to trigger nonsense-mediated mRNA decay, and only impacts the last 15% of the protein. This nucleotide position is highly conserved in available vertebrate species. In silico splice site analysis predicts that this alteration will weaken the native splice donor site. RNA studies have demonstrated that this variant results in a splice defect; the clinical impact of this abnormal splicing is unknown at this time (Ambry internal data). Based on the available evidence, the clinical significance of this variant remains unclear.

Labcorp Genetics (formerly Invitae), Labcorp
Classification: Uncertain significance. Last evaluated: 2025-01-06. Review status: criteria provided, single submitter. Criteria: Invitae Variant Classification Sherloc (09022015). Collection method: clinical testing. Allele origin: germline.
Comment: This sequence change affects a donor splice site in intron 7 of the ETV6 gene. While this variant is not anticipated to result in nonsense mediated decay, it likely alters RNA splicing and results in a disrupted protein product. This variant is not present in population databases (gnomAD no frequency). This variant has not been reported in the literature in individuals affected with ETV6-related conditions. ClinVar contains an entry for this variant (Variation ID: 2127703). Variants that disrupt the consensus splice site are a relatively common cause of aberrant splicing (PMID: 17576681, 9536098). Algorithms developed to predict the effect of sequence changes on RNA splicing suggest that this variant may disrupt the consensus splice site. In summary, the available evidence is currently insufficient to determine the role of this variant in disease. Therefore, it has been classified as a Variant of Uncertain Significance.

Literature cited by the submitters: PubMed 17576681 (cited by Labcorp Genetics (formerly Invitae), Labcorp); PubMed 9536098 (cited by Labcorp Genetics (formerly Invitae), Labcorp).

NM_001987.5(ETV6):c.1253+2T>C

Gene: ETV6 (ETS variant transcription factor 6; plus strand). Cytogenetic location: 12p13.2.
Variant type: single nucleotide variant.
Coding change: c.1253+2T>C on transcript NM_001987.5 (MANE Select); the canonical splice donor site of the intron after coding-DNA position 1253, T replaced by C.
Molecular consequence: splice donor variant. On other transcripts: intron variant (1).
Genome position (GRCh38, 1-based): chr12:11,886,028, T>C. VCF-style: chr12-11886028-T-C. GRCh37 (hg19) VCF-style: chr12-12038962-T-C.
Other names: c.1226+2T>C (NM_001413914.1); c.1010-4913T>C (NM_001413917.1); c.1250+2T>C (NM_001413913.1); c.989+2T>C (NM_001413915.1); c.1253+2T>C (NM_001987.4).
Identifiers: ClinVar variation 2127703 (VCV002127703.5), dbSNP rs2498187495, ClinGen allele CA384045042.